The following is an entry in ClinVar:

ClinVar aggregate classification (germline): Uncertain significance. Review status: criteria provided, multiple submitters, no conflicts (2 of 4 stars). 3 submissions from 3 submitters: Uncertain significance (3). Last evaluated 2025-08-30.

Conditions:
Inborn genetic diseases. Identifiers: MedGen C0950123, MeSH D030342.

Allele frequency attached by ClinVar (database versions not stated): gnomAD exomes below 0.00001; ExAC 0.00001.
gnomAD v4.1: 7 of 1,613,930 alleles (0.00043%); no homozygotes.

Submissions (3):

Labcorp Genetics (formerly Invitae), Labcorp
Classification: Uncertain significance. Last evaluated: 2025-08-30. Review status: criteria provided, single submitter. Criteria: Invitae Variant Classification Sherloc (09022015). Collection method: clinical testing. Allele origin: germline.
Comment: This sequence change replaces serine, which is neutral and polar, with leucine, which is neutral and non-polar, at codon 695 of the ANKRD26 protein (p.Ser695Leu). This variant is present in population databases (rs761887932, gnomAD 0.01%). This variant has not been reported in the literature in individuals affected with ANKRD26-related conditions. ClinVar contains an entry for this variant (Variation ID: 2171592). An algorithm developed to predict the effect of missense changes on protein structure and function (PolyPhen-2) suggests that this variant is likely to be disruptive. In summary, the available evidence is currently insufficient to determine the role of this variant in disease. Therefore, it has been classified as a Variant of Uncertain Significance.

Ambry Genetics
Classification: Uncertain significance for Inborn genetic diseases. Last evaluated: 2024-11-21. Review status: criteria provided, single submitter. Criteria: Ambry Variant Classification Scheme 2023. Collection method: clinical testing. Allele origin: germline.
Comment: The p.S695L variant (also known as c.2084C>T), located in coding exon 20 of the ANKRD26 gene, results from a C to T substitution at nucleotide position 2084. The serine at codon 695 is replaced by leucine, an amino acid with dissimilar properties. This amino acid position is conserved. In addition, this alteration is predicted to be tolerated by in silico analysis. Based on the available evidence, the clinical significance of this variant remains unclear.

GeneDx
Classification: Uncertain significance. Last evaluated: 2024-06-05. Review status: criteria provided, single submitter. Criteria: GeneDx Variant Classification Process June 2021. Collection method: clinical testing. Allele origin: germline. Affected: yes.
Comment: Not observed at significant frequency in large population cohorts (gnomAD); In silico analysis supports that this missense variant has a deleterious effect on protein structure/function; Has not been previously published as pathogenic or benign to our knowledge

NM_014915.3(ANKRD26):c.2084C>T (p.Ser695Leu)

Gene: ANKRD26 (ankyrin repeat domain 26; minus strand). Cytogenetic location: 10p12.1.
Variant type: single nucleotide variant.
Coding change: c.2084C>T on transcript NM_014915.3 (MANE Select); coding-DNA position 2084, C replaced by T.
Protein change: p.Ser695Leu; replaces serine 695 with leucine.
Molecular consequence: missense variant.
Genome position (GRCh38, 1-based): chr10:27,043,503, G>A on the plus strand (C>T on the coding strand, the complement: ANKRD26 is on the minus strand). VCF-style: chr10-27043503-G-A. GRCh37 (hg19) VCF-style: chr10-27332432-G-A.
Other names: c.2081C>T, p.Ser694Leu (NM_001256053.2); short protein forms S694L, S695L.
Identifiers: ClinVar variation 2171592 (VCV002171592.6), dbSNP rs761887932, ClinGen allele CA5448304.
Genomic context (GRCh38, chr10:27,043,503, plus strand): 5'-AGTTGTTCAATGAGCAACATAAAATTCTTGTAACTAGAGTGGGGTAGCTCACAATCCTCT[G>A]AGGCTGTTTCAGATGACTGAGTTAAGTCATCAACATCATCCATAGACTGTATTTGGTTTT-3'
Protein context (NP_055730.2, residues 685-705): DDLTQSSETA[Ser695Leu]EDCELPHSSY